The following is an entry in ClinVar:

ClinVar aggregate classification (germline): Conflicting classifications of pathogenicity. Review status: criteria provided, conflicting classifications (1 of 4 stars). 2 submissions from 2 submitters: Uncertain significance (1); Likely benign (1). Last evaluated 2025-09-20.

Conditions:
Hereditary cancer-predisposing syndrome. Also called: Hereditary Cancer Syndrome; Neoplastic Syndromes, Hereditary; Hereditary neoplastic syndrome; Tumor predisposition. Identifiers: Orphanet 140162, MedGen C0027672, MeSH D009386, MONDO:0015356.
EGFR-related lung cancer (EGFR). Identifiers: MedGen CN130014.

Allele frequency attached by ClinVar (database versions not stated): gnomAD exomes below 0.00001; 1000 Genomes Project 30x 0.00016; 1000 Genomes Project 0.00020.
gnomAD v4.1: 7 of 1,614,104 alleles (0.00043%); highest among the groups gnomAD compares: East Asian, 0.013%; no homozygotes.

Submissions (2):

Labcorp Genetics (formerly Invitae), Labcorp
Classification: Likely benign for EGFR-related lung cancer. Last evaluated: 2025-09-20. Review status: criteria provided, single submitter. Criteria: Invitae Variant Classification Sherloc (09022015). Collection method: clinical testing. Allele origin: germline.

Ambry Genetics
Classification: Uncertain significance for Hereditary cancer-predisposing syndrome. Last evaluated: 2024-12-16. Review status: criteria provided, single submitter. Criteria: Ambry Variant Classification Scheme 2023. Collection method: clinical testing. Allele origin: germline.
Comment: The c.1632-5C>T intronic variant results from a C to T substitution 5 nucleotides upstream from coding exon 14 in the EGFR gene. This nucleotide position is not well conserved in available vertebrate species. In silico splice site analysis predicts that this alteration will not have any significant effect on splicing. Based on the available evidence, the clinical significance of this variant remains unclear.

NM_005228.5(EGFR):c.1632-5C>T

Gene: EGFR (epidermal growth factor receptor; plus strand). Cytogenetic location: 7p11.2.
Variant type: single nucleotide variant.
Coding change: c.1632-5C>T on transcript NM_005228.5 (MANE Select); 5 bases into the intron before coding-DNA position 1632, C replaced by T.
Molecular consequence: intron variant.
Genome position (GRCh38, 1-based): chr7:55,163,728, C>T. VCF-style: chr7-55163728-C-T. GRCh37 (hg19) VCF-style: chr7-55231421-C-T.
Other names: c.1632-5C>T (NM_005228.3, NM_001346898.2, NM_201284.2 and 1 more transcripts); c.1497-5C>T (NM_001346899.2, NM_001346897.2); c.831-5C>T (NM_001346941.2); c.1473-5C>T (NM_001346900.2).
Identifiers: ClinVar variation 1143819 (VCV001143819.11), dbSNP rs139388828, ClinGen allele CA158923922.